The following is an entry in ClinVar:

NM_005159.5(ACTC1):c.129+18dup

Genes: ACTC1 (actin alpha cardiac muscle 1; minus strand), GJD2-DT (GJD2 divergent transcript; plus strand). Cytogenetic location: 15q14.
Variant type: Duplication.
Coding change: c.129+18dup on transcript NM_005159.5 (MANE Select); 18 bases into the intron after coding-DNA position 129, one base duplicated (C; older notation c.129+18dupC).
Molecular consequence: intron variant.
Genome position (GRCh38, 1-based): chr15:34,794,657, G duplicated on the plus strand (C on the coding strand, the reverse complement: ACTC1 is on the minus strand); the first of 6 consecutive G bases (chr15:34,794,657-34,794,662); duplicating any one gives the same sequence. VCF-style (leftmost placement, unchanged base first): chr15-34794656-C-CG. GRCh37 (hg19) VCF-style: chr15-35086857-C-CG.
Other names: c.129+23dup (LRG_388t1); c.129+23dupC (NM_005159.4).
Identifiers: ClinVar variation 35646 (VCV000035646.10), dbSNP rs148433308, ClinGen allele CA260115.
Genomic context (GRCh38, chr15:34,794,656, plus strand): 5'-CAAGAGGGTCAGGTGAGAGCCATTTCCTAGATCGCTGGACTGAAGGGGTCCCGAGTGGGA[C>CG]GGGGGGCTCGGCGGGAAGTTTACCTGGTGCCGCGGGCGGCCCACGATGGACGGGAAGACA-3'

ClinVar aggregate classification (germline): Benign/Likely benign. Review status: criteria provided, multiple submitters, no conflicts (2 of 4 stars). 6 submissions from 6 submitters: Benign (2); Likely benign (1). 3 of the submissions do not count toward it. Last evaluated 2023-08-21.

Submissions (6):

Women's Health and Genetics/Laboratory Corporation of America, LabCorp
Classification: Benign. Last evaluated: 2023-08-21. Review status: criteria provided, single submitter. Criteria: LabCorp Variant Classification Summary - May 2015. Collection method: clinical testing. Allele origin: germline.
Comment: Variant summary: ACTC1 c.129+23dupC is located at a position not widely known to affect splicing. 4/4 computational tools predict no significant impact on normal splicing. However, these predictions have yet to be confirmed by functional studies. The variant allele was found at a frequency of 0.0059 in 236080 control chromosomes, predominantly at a frequency of 0.09 within the African or African-American subpopulation in the gnomAD database, including 64 homozygotes. The observed variant frequency within African or African-American control individuals in the gnomAD database is significantly higher than the estimated maximal expected allele frequency for a pathogenic variant in ACTC1 causing Hypertrophic Cardiomyopathy phenotype (2.5e-05), strongly suggesting that the variant is a benign polymorphism found primarily in populations of African or African-American origin. To our knowledge, no occurrence of c.129+23dupC in individuals affected with Hypertrophic Cardiomyopathy and no experimental evidence demonstrating its impact on protein function have been reported. One submitter has cited clinical-significance assessments for this variant to ClinVar after 2014 and has classified the variant as benign. Based on the evidence outlined above, the variant was classified as benign.

GeneDx
Classification: Benign. Last evaluated: 2015-05-29. Review status: criteria provided, single submitter. Criteria: GeneDx Variant Classification Process June 2021. Collection method: clinical testing. Allele origin: germline. Affected: yes.

PreventionGenetics, part of Exact Sciences
Classification: Likely benign. Review status: criteria provided, single submitter. Criteria: ACMG Guidelines, 2015. Collection method: clinical testing. Allele origin: germline.

Clinical Genetics DNA and cytogenetics Diagnostics Lab, Erasmus MC, Erasmus Medical Center
Classification: Benign. Review status: no assertion criteria provided. Collection method: clinical testing. Allele origin: germline. Affected: yes. Study: VKGL Data-share Consensus. Not counted in ClinVar's aggregate classification.

Diagnostic Laboratory, Department of Genetics, University Medical Center Groningen
Classification: Likely benign. Review status: no assertion criteria provided. Collection method: clinical testing. Allele origin: germline. Affected: yes. Study: VKGL Data-share Consensus. Not counted in ClinVar's aggregate classification.

Joint Genome Diagnostic Labs from Nijmegen and Maastricht, Radboudumc and MUMC+
Classification: Benign. Review status: no assertion criteria provided. Collection method: clinical testing. Allele origin: germline. Affected: yes. Study: VKGL Data-share Consensus. Not counted in ClinVar's aggregate classification.